The following is an entry in ClinVar:

ClinVar aggregate classification (germline): Uncertain significance (1 of 4 stars; one submission).

Conditions:
Hereditary cancer-predisposing syndrome. Also called: Tumor predisposition; Hereditary neoplastic syndrome; Hereditary Cancer Syndrome; Neoplastic Syndromes, Hereditary. Identifiers: Orphanet 140162, MedGen C0027672, MeSH D009386, MONDO:0015356.

Submission:

Ambry Genetics
Classification: Uncertain significance for Hereditary cancer-predisposing syndrome. Last evaluated: 2023-09-19. Review status: criteria provided, single submitter. Criteria: Ambry Variant Classification Scheme 2023. Collection method: clinical testing. Allele origin: germline.
Comment: The p.L1874R variant (also known as c.5621T>G), located in coding exon 36 of the ATM gene, results from a T to G substitution at nucleotide position 5621. The leucine at codon 1874 is replaced by arginine, an amino acid with dissimilar properties. This amino acid position is conserved. In addition, this alteration is predicted to be tolerated by in silico analysis. Since supporting evidence is limited at this time, the clinical significance of this alteration remains unclear.

NM_000051.4(ATM):c.5621T>G (p.Leu1874Arg)

Gene: ATM (ATM serine/threonine kinase; plus strand). Cytogenetic location: 11q22.3.
Variant type: single nucleotide variant.
Coding change: c.5621T>G on transcript NM_000051.4 (MANE Select); coding-DNA position 5621, T replaced by G.
Protein change: p.Leu1874Arg; replaces leucine 1874 with arginine.
Molecular consequence: missense variant.
Genome position (GRCh38, 1-based): chr11:108,304,799, T>G. VCF-style: chr11-108304799-T-G. GRCh37 (hg19) VCF-style: chr11-108175526-T-G.
Other names: c.5621T>G, p.Leu1874Arg (NM_001351834.2); short protein forms L1874R.
Identifiers: ClinVar variation 3221930 (VCV003221930.1), dbSNP rs2135945271, ClinGen allele CA382546345.